The following is an entry in ClinVar:

NM_000334.4(SCN4A):c.1556C>T (p.Ala519Val)

Gene: SCN4A (sodium voltage-gated channel alpha subunit 4; minus strand). Cytogenetic location: 17q23.3.
Variant type: single nucleotide variant.
Coding change: c.1556C>T on transcript NM_000334.4 (MANE Select); coding-DNA position 1556, C replaced by T.
Protein change: p.Ala519Val; replaces alanine 519 with valine.
Molecular consequence: missense variant.
Genome position (GRCh38, 1-based): chr17:63,963,722, G>A on the plus strand (C>T on the coding strand, the complement: SCN4A is on the minus strand). VCF-style: chr17-63963722-G-A. GRCh37 (hg19) VCF-style: chr17-62041082-G-A.
Other names: short protein forms A519V.
Identifiers: ClinVar variation 1046097 (VCV001046097.9), dbSNP rs756661894, ClinGen allele CA8709814.
Genomic context (GRCh38, chr17:63,963,722, plus strand): 5'-AGGCACTCACCTTCCATGGCGTCGGAGATGCCGCTGTCTCCGCTGCTGCTCTGCCTCGGG[G>A]CTCCCTTCTCCCCTTGCGATGTGTCCAGGCTGCCATTGCAGTCTTTGCCATGGGCTGGGT-3'
Protein context (NP_000325.4, residues 509-529): SLDTSQGEKG[Ala519Val]PRQSSSGDSG

ClinVar aggregate classification (germline): Uncertain significance (1 of 4 stars; one submission).

Conditions:
Hyperkalemic periodic paralysis. Also called: Familial hyperkalemic periodic paralysis; Gamstorp disease. Identifiers: Orphanet 682, MedGen C0238357, MONDO:0008224, OMIM 170500, HP:0007215.

Allele frequency attached by ClinVar (database versions not stated): ExAC 0.00001.
gnomAD v4.1: 5 of 1,602,024 alleles (0.00031%); highest among the groups gnomAD compares: Admixed American, 0.005%; no homozygotes.

Submission:

Labcorp Genetics (formerly Invitae), Labcorp
Classification: Uncertain significance for Hyperkalemic periodic paralysis. Last evaluated: 2021-08-22. Review status: criteria provided, single submitter. Criteria: Invitae Variant Classification Sherloc (09022015). Collection method: clinical testing. Allele origin: germline.
Comment: In summary, the available evidence is currently insufficient to determine the role of this variant in disease. Therefore, it has been classified as a Variant of Uncertain Significance. Algorithms developed to predict the effect of missense changes on protein structure and function (SIFT, PolyPhen-2, Align-GVGD) all suggest that this variant is likely to be tolerated, but these predictions have not been confirmed by published functional studies and their clinical significance is uncertain. This variant has not been reported in the literature in individuals with SCN4A-related conditions. This variant is present in population databases (rs756661894, ExAC 0.01%). This sequence change replaces alanine with valine at codon 519 of the SCN4A protein (p.Ala519Val). The alanine residue is weakly conserved and there is a small physicochemical difference between alanine and valine.